The following is an entry in ClinVar:

ClinVar aggregate classification (germline): Uncertain significance (1 of 4 stars; one submission).

gnomAD v4.1: 4 of 1,564,070 alleles (0.00026%); highest among the groups gnomAD compares: African/African-American, 0.0042%; no homozygotes.

Submission:

Mayo Clinic Laboratories, Mayo Clinic
Classification: Uncertain significance. Last evaluated: 2024-08-15. Review status: criteria provided, single submitter. Criteria: ACMG Guidelines, 2015. Collection method: clinical testing. Allele origin: germline. Observed: 1 variant allele.
Comment: BP4, PM2

NM_003647.3(DGKE):c.1543A>T (p.Met515Leu)

Gene: DGKE (diacylglycerol kinase epsilon; plus strand). Cytogenetic location: 17q22.
Variant type: single nucleotide variant.
Coding change: c.1543A>T on transcript NM_003647.3 (MANE Select); coding-DNA position 1543, A replaced by T.
Protein change: p.Met515Leu; replaces methionine 515 with leucine.
Molecular consequence: missense variant.
Genome position (GRCh38, 1-based): chr17:56,862,630, A>T. VCF-style: chr17-56862630-A-T. GRCh37 (hg19) VCF-style: chr17-54939991-A-T.
Other names: p.Met515Leu; short protein forms M515L.
Identifiers: ClinVar variation 3380509 (VCV003380509.1).